The following is an entry in ClinVar:

NM_015102.5(NPHP4):c.1611+3A>C

Gene: NPHP4 (nephrocystin 4; minus strand). Cytogenetic location: 1p36.31.
Variant type: single nucleotide variant.
Coding change: c.1611+3A>C on transcript NM_015102.5 (MANE Select); 3 bases into the intron after coding-DNA position 1611, A replaced by C.
Molecular consequence: intron variant.
Genome position (GRCh38, 1-based): chr1:5,907,112, T>G on the plus strand (A>C on the coding strand, the complement: NPHP4 is on the minus strand). VCF-style: chr1-5907112-T-G. GRCh37 (hg19) VCF-style: chr1-5967172-T-G.
Other names: c.76-1329A>C (NM_001291594.2); c.76-1332A>C (NM_001291593.2).
Identifiers: ClinVar variation 2132390 (VCV002132390.5), dbSNP rs1644944400, ClinGen allele CA1151217464.
Genomic context (GRCh38, chr1:5,907,112, plus strand): 5'-AAAATGAGGAGCTGTGGAGCCATTCCTTGGTGGAAGGCAAGGCGGCAGGTGGGCGGCACT[T>G]ACTGCCTGGGCCGGGGAGGCCTGAGAGCCATGGGGTAGCTGTGAAGTAGGCCTGGCCAAG-3'

ClinVar aggregate classification (germline): Uncertain significance. Review status: criteria provided, multiple submitters, no conflicts (2 of 4 stars). 2 submissions from 2 submitters: Uncertain significance (2). Last evaluated 2024-05-10.

Conditions:
Nephronophthisis. Also called: Juvenile Nephronophthisis. Identifiers: Orphanet 655, MedGen C0687120, MONDO:0019005, HP:0000090.
Nephronophthisis 4 (NPHP4). Also called: NEPHRONOPHTHISIS 4, JUVENILE. Identifiers: Orphanet 655, MedGen C1847013, MONDO:0011752, OMIM 606966.
Senior-Loken syndrome 4 (SLSN4). Identifiers: Orphanet 3156, MedGen C1846979, MONDO:0011756, OMIM 606996.

Allele frequency attached by ClinVar (database versions not stated): TOPMed below 0.00001.

Submissions (2):

Fulgent Genetics
Classification: Uncertain significance for Nephronophthisis 4; Senior-Loken syndrome 4. Last evaluated: 2024-05-10. Review status: criteria provided, single submitter. Criteria: ACMG Guidelines, 2015. Collection method: clinical testing. Allele origin: germline.

Labcorp Genetics (formerly Invitae), Labcorp
Classification: Uncertain significance for Nephronophthisis. Last evaluated: 2022-08-23. Review status: criteria provided, single submitter. Criteria: Invitae Variant Classification Sherloc (09022015). Collection method: clinical testing. Allele origin: germline.
Comment: This sequence change falls in intron 13 of the NPHP4 gene. It does not directly change the encoded amino acid sequence of the NPHP4 protein. It affects a nucleotide within the consensus splice site. This variant is not present in population databases (gnomAD no frequency). This variant has not been reported in the literature in individuals affected with NPHP4-related conditions. Variants that disrupt the consensus splice site are a relatively common cause of aberrant splicing (PMID: 17576681, 9536098). Algorithms developed to predict the effect of sequence changes on RNA splicing suggest that this variant may disrupt the consensus splice site. In summary, the available evidence is currently insufficient to determine the role of this variant in disease. Therefore, it has been classified as a Variant of Uncertain Significance.

Literature cited by the submitters: PubMed 17576681 (cited by Labcorp Genetics (formerly Invitae), Labcorp); PubMed 9536098 (cited by Labcorp Genetics (formerly Invitae), Labcorp).